The following is an entry in ClinVar:

NM_006348.5(COG5):c.767T>C (p.Leu256Ser)

Gene: COG5 (component of oligomeric golgi complex 5; minus strand). Cytogenetic location: 7q22.3.
Variant type: single nucleotide variant.
Coding change: c.767T>C on transcript NM_006348.5 (MANE Select); coding-DNA position 767, T replaced by C.
Protein change: p.Leu256Ser; replaces leucine 256 with serine.
Molecular consequence: missense variant. On other transcripts: intron variant (2).
Genome position (GRCh38, 1-based): chr7:107,372,663, A>G on the plus strand (T>C on the coding strand, the complement: COG5 is on the minus strand). VCF-style: chr7-107372663-A-G. GRCh37 (hg19) VCF-style: chr7-107013108-A-G.
Other names: c.767T>C, p.Leu256Ser (NM_001161520.2, NM_001379511.1, NM_001379512.1 and 3 more transcripts); c.235-10553T>C (NM_001379516.1); c.539-74317T>C (NM_001379515.1); short protein forms L256S.
Identifiers: ClinVar variation 2104867 (VCV002104867.2), dbSNP rs750633373, ClinGen allele CA4431117.
Genomic context (GRCh38, chr7:107,372,663, plus strand): 5'-GCTGACTGGGAAGGCTGAGTCAAAACTTTTATGTCTAATGCACTGTTGATATTTTCTTCT[A>G]AAGTAGCACAATATCCATCCACAACACTGGTAATAGTATCCTTCAAAGTTCCAAGATTAT-3'
Protein context (NP_006339.4, residues 246-266): TSVVDGYCAT[Leu256Ser]EENINSALDI

ClinVar aggregate classification (germline): Uncertain significance (1 of 4 stars; one submission).

Conditions:
COG5-congenital disorder of glycosylation. Also called: CDG IIi; CONGENITAL DISORDER OF GLYCOSYLATION, TYPE IIi; COG5-CDG. Identifiers: Orphanet 263487, MedGen C3150876, MONDO:0013325, OMIM 613612.

Allele frequency attached by ClinVar (database versions not stated): TOPMed below 0.00001; ExAC 0.00002.
gnomAD v4.1: 4 of 1,613,672 alleles (0.00025%); highest among the groups gnomAD compares: East Asian, 0.0022%; no homozygotes.

Submission:

Labcorp Genetics (formerly Invitae), Labcorp
Classification: Uncertain significance for COG5-congenital disorder of glycosylation. Last evaluated: 2022-11-08. Review status: criteria provided, single submitter. Criteria: Invitae Variant Classification Sherloc (09022015). Collection method: clinical testing. Allele origin: germline.
Comment: In summary, the available evidence is currently insufficient to determine the role of this variant in disease. Therefore, it has been classified as a Variant of Uncertain Significance. Algorithms developed to predict the effect of missense changes on protein structure and function are either unavailable or do not agree on the potential impact of this missense change (SIFT: "Deleterious"; PolyPhen-2: "Benign"; Align-GVGD: "Class C55"). This variant has not been reported in the literature in individuals affected with COG5-related conditions. This variant is present in population databases (rs750633373, gnomAD 0.006%). This sequence change replaces leucine, which is neutral and non-polar, with serine, which is neutral and polar, at codon 287 of the COG5 protein (p.Leu287Ser).